The following is an entry in ClinVar:

NM_177438.3(DICER1):c.3875_3878del (p.Pro1292fs)

Gene: DICER1 (dicer 1, ribonuclease III; minus strand). Cytogenetic location: 14q32.13.
Variant type: Deletion.
Coding change: c.3875_3878del on transcript NM_177438.3 (MANE Select); coding-DNA positions 3875 to 3878, 4 bases deleted (CCAA; older notation c.3875_3878delCCAA).
Protein change: p.Pro1292fs; shifts the reading frame from proline 1292.
Molecular consequence: frameshift variant.
Genome position (GRCh38, 1-based): chr14:95,103,518-95,103,521, TTGG deleted on the plus strand (CCAA on the coding strand, the reverse complement: DICER1 is on the minus strand). VCF-style (leftmost placement, unchanged base first): chr14-95103517-ATTGG-A. GRCh37 (hg19) VCF-style: chr14-95569854-ATTGG-A.
Other names: c.3875_3878delCCAA (NM_177438.2); c.3875_3878del, p.Pro1292fs (NM_001195573.1, NM_001271282.3, NM_001291628.2 and 1 more transcripts); short protein forms P1292fs.
Identifiers: ClinVar variation 254330 (VCV000254330.4), dbSNP rs886037710, ClinGen allele CA10586420.

ClinVar aggregate classification (germline): Pathogenic. Review status: criteria provided, multiple submitters, no conflicts (2 of 4 stars). 2 submissions from 2 submitters: Pathogenic (2). Last evaluated 2019-07-01.

Conditions:
DICER1-related tumor predisposition. Also called: DICER1 syndrome; DICER1-related pleuropulmonary blastoma cancer predisposition syndrome. Identifiers: Orphanet 284343, MedGen C3839822, MONDO:0100216.

Submissions (2):

Foulkes Cancer Genetics LDI, Lady Davis Institute for Medical Research
Classification: Pathogenic for Pleuropulmonary blastoma. Last evaluated: 2019-07-01. Review status: criteria provided, single submitter. Criteria: ACMG Guidelines, 2015. Collection method: curation. Allele origin: germline. Affected: yes. Observed: 1 variant allele.
Comment: ACMG criteria met: PVS1, PM2, PP4

International Pleuropulmonary Blastoma Registry, Children's Hospitals and Clinics of Minnesota
Classification: Pathogenic for Pleuropulmonary blastoma. Last evaluated: 2014-11-10. Review status: criteria provided, single submitter. Criteria: Hill et al. (Science. 2009). Collection method: clinical testing. Allele origin: germline. Affected: yes. Study: PPB-DICER1 Genetic study.

Literature cited by the submitters: PubMed 26925222 (cited by Foulkes Cancer Genetics LDI, Lady Davis Institute for Medical Research and International Pleuropulmonary Blastoma Registry, Children's Hospitals and Clinics of Minnesota).